The following is an entry in ClinVar:

NM_000807.4(GABRA2):c.366G>A (p.Trp122Ter)

Gene: GABRA2 (gamma-aminobutyric acid type A receptor subunit alpha2; minus strand). Cytogenetic location: 4p12.
Variant type: single nucleotide variant.
Coding change: c.366G>A on transcript NM_000807.4 (MANE Select); coding-DNA position 366, G replaced by A.
Protein change: p.Trp122Ter; replaces tryptophan 122 with a stop codon.
Molecular consequence: nonsense.
Genome position (GRCh38, 1-based): chr4:46,312,606, C>T on the plus strand (G>A on the coding strand, the complement: GABRA2 is on the minus strand). VCF-style: chr4-46312606-C-T. GRCh37 (hg19) VCF-style: chr4-46314623-C-T.
Other names: c.366G>A, p.Trp122Ter (NM_001377149.1, NM_001377150.1, NM_001377151.1 and 8 more transcripts); c.201G>A, p.Trp67Ter (NM_001377152.1, NM_001377153.1, NM_001377154.1 and 1 more transcripts); short protein forms W122*, W67*.
Identifiers: ClinVar variation 4083460 (VCV004083460.1).

ClinVar aggregate classification (germline): Uncertain significance (1 of 4 stars; one submission).

Submission:

GeneDx
Classification: Uncertain significance. Last evaluated: 2025-03-11. Review status: criteria provided, single submitter. Criteria: GeneDx Variant Classification Process June 2021. Collection method: clinical testing. Allele origin: germline. Affected: yes.
Comment: Not observed at significant frequency in large population cohorts (gnomAD); Nonsense variant predicted to result in protein truncation or nonsense mediated decay in a gene or region of a gene for which loss of function is not a well-established mechanism of disease; Has not been previously published as pathogenic or benign to our knowledge